The following is an entry in ClinVar:

NM_004698.4(PRPF3):c.2037dup (p.Glu680fs)

Gene: PRPF3 (pre-mRNA processing factor 3; plus strand). Cytogenetic location: 1q21.2.
Variant type: Duplication.
Coding change: c.2037dup on transcript NM_004698.4 (MANE Select); coding-DNA position 2037, one base duplicated (A; older notation c.2037dupA).
Protein change: p.Glu680fs; shifts the reading frame from glutamic acid 680.
Molecular consequence: frameshift variant. On other transcripts: non-coding transcript variant (4).
Genome position (GRCh38, 1-based): chr1:150,352,964, A duplicated. VCF-style (leftmost placement, unchanged base first): chr1-150352963-T-TA. GRCh37 (hg19) VCF-style: chr1-150325439-T-TA.
Other names: c.1632dup, p.Glu545fs (NM_001350529.1); short protein forms E680fs, E545fs.
Identifiers: ClinVar variation 1346921 (VCV001346921.8), dbSNP rs2102036388, ClinGen allele CA2573131032.

ClinVar aggregate classification (germline): Uncertain significance (1 of 4 stars; one submission).

Allele frequency attached by ClinVar (database versions not stated): gnomAD exomes below 0.00001.

Submission:

Labcorp Genetics (formerly Invitae), Labcorp
Classification: Uncertain significance. Last evaluated: 2021-04-20. Review status: criteria provided, single submitter. Criteria: Invitae Variant Classification Sherloc (09022015). Collection method: clinical testing. Allele origin: germline.
Comment: In summary, the available evidence is currently insufficient to determine the role of this variant in disease. Therefore, it has been classified as a Variant of Uncertain Significance. This variant has not been reported in the literature in individuals with PRPF3-related conditions. This variant is not present in population databases (ExAC no frequency). This sequence change creates a premature translational stop signal (p.Glu680Argfs*4) in the PRPF3 gene. While this is not anticipated to result in nonsense mediated decay, it is expected to disrupt the last 4 amino acid(s) of the PRPF3 protein.